The following is an entry in ClinVar:

NM_006734.4(HIVEP2):c.2264C>T (p.Thr755Met)

Gene: HIVEP2 (HIVEP zinc finger 2; minus strand). Cytogenetic location: 6q24.2.
Variant type: single nucleotide variant.
Coding change: c.2264C>T on transcript NM_006734.4 (MANE Select); coding-DNA position 2264, C replaced by T.
Protein change: p.Thr755Met; replaces threonine 755 with methionine.
Molecular consequence: missense variant.
Genome position (GRCh38, 1-based): chr6:142,772,475, G>A on the plus strand (C>T on the coding strand, the complement: HIVEP2 is on the minus strand). VCF-style: chr6-142772475-G-A. GRCh37 (hg19) VCF-style: chr6-143093612-G-A.
Other names: c.2264C>T (NM_006734.3); short protein forms T755M.
Identifiers: ClinVar variation 2186278 (VCV002186278.8), dbSNP rs779085758, ClinGen allele CA4028450.

ClinVar aggregate classification (germline): Likely benign. Review status: criteria provided, multiple submitters, no conflicts (2 of 4 stars). 4 submissions from 4 submitters: Likely benign (3). 1 of the submissions does not count toward it. Last evaluated 2026-09-01.

Conditions:
Inborn genetic diseases. Identifiers: MedGen C0950123, MeSH D030342.
HIVEP2-related disorder. Also called: HIVEP2-related condition.

Allele frequency attached by ClinVar (database versions not stated): gnomAD 0.00002; TOPMed 0.00003; ExAC 0.00007.
gnomAD v4.1: 25 of 1,613,966 alleles (0.0015%); highest among the groups gnomAD compares: Admixed American, 0.0083%; no homozygotes.

Submissions (4):

CeGaT Center for Human Genetics Tuebingen
Classification: Likely benign. Last evaluated: 2026-09-01. Review status: criteria provided, single submitter. Criteria: CeGaT Center For Human Genetics Tuebingen Variant Classification Criteria Version 2. Collection method: clinical testing. Allele origin: germline. Affected: yes. Observed: 1 variant allele.
Comment: HIVEP2: BP4

Ambry Genetics
Classification: Likely benign for Inborn genetic diseases. Last evaluated: 2025-06-09. Review status: criteria provided, single submitter. Criteria: Ambry Variant Classification Scheme 2023. Collection method: clinical testing. Allele origin: germline.

Labcorp Genetics (formerly Invitae), Labcorp
Classification: Likely benign. Last evaluated: 2024-07-29. Review status: criteria provided, single submitter. Criteria: Invitae Variant Classification Sherloc (09022015). Collection method: clinical testing. Allele origin: germline.

PreventionGenetics, part of Exact Sciences
Classification: Likely benign for HIVEP2-related condition. Last evaluated: 2023-01-27. Review status: no assertion criteria provided. Collection method: clinical testing. Allele origin: germline. Not counted in ClinVar's aggregate classification.
Comment: This variant is classified as likely benign based on ACMG/AMP sequence variant interpretation guidelines (Richards et al. 2015 PMID: 25741868, with internal and published modifications).